The following is an entry in ClinVar:

NM_004444.5(EPHB4):c.1236_1237insGCCTCCTTAGCCACGGGGCA (p.Ser413fs)

Gene: EPHB4 (EPH receptor B4; minus strand). Cytogenetic location: 7q22.1.
Variant type: Insertion.
Coding change: c.1236_1237insGCCTCCTTAGCCACGGGGCA on transcript NM_004444.5 (MANE Select); coding-DNA positions 1236 to 1237, GCCTCCTTAGCCACGGGGCA inserted.
Protein change: p.Ser413fs; shifts the reading frame from serine 413.
Molecular consequence: frameshift variant.
Genome position: GRCh38 VCF-style: chr7-100819617-A-ATGCCCCGTGGCTAAGGAGGC. GRCh37 (hg19) VCF-style: chr7-100417239-A-ATGCCCCGTGGCTAAGGAGGC.
Other names: short protein forms S413fs.
Identifiers: ClinVar variation 1756739 (VCV001756739.2), dbSNP rs2485035566, ClinGen allele CA2580076010.
Genomic context (GRCh38, chr7:100,819,617, plus strand): 5'-CCTCTCGGTCAGTGGTGACATTGACAGGCTCAAATGGGACGGGCCCCGTGGCTAAGGAGG[A>ATGCCCCGTGGCTAAGGAGGC]TACCCCGTTCAATGCAGTGACCTCAAAGGTATAGGTGAAGTCAGGACGTAGCCCTCGAAC-3'

ClinVar aggregate classification (germline): Pathogenic (1 of 4 stars; one submission).

Conditions:
Cardiovascular phenotype. Identifiers: MedGen CN230736.

Submission:

Ambry Genetics
Classification: Pathogenic for Cardiovascular phenotype. Last evaluated: 2023-10-13. Review status: criteria provided, single submitter. Criteria: Ambry Variant Classification Scheme 2023. Collection method: clinical testing. Allele origin: germline.
Comment: The c.1236_1237insGCCTCCTTAGCCACGGGGCA variant, located in coding exon 6 of the EPHB4 gene, results from an insertion of 20 nucleotides at position 1236, causing a translational frameshift with a predicted alternate stop codon. This variant is considered to be rare based on population cohorts in the Genome Aggregation Database (gnomAD). This alteration is expected to result in loss of function by premature protein truncation or nonsense-mediated mRNA decay. As such, this alteration is interpreted as a disease-causing mutation.